The following is an entry in ClinVar:

NM_002432.3(MNDA):c.935T>G (p.Leu312Arg)

Gene: MNDA (myeloid cell nuclear differentiation antigen; plus strand). Cytogenetic location: 1q23.1.
Variant type: single nucleotide variant.
Coding change: c.935T>G on transcript NM_002432.3 (MANE Select); coding-DNA position 935, T replaced by G.
Protein change: p.Leu312Arg; replaces leucine 312 with arginine.
Molecular consequence: missense variant.
Genome position (GRCh38, 1-based): chr1:158,845,951, T>G. VCF-style: chr1-158845951-T-G. GRCh37 (hg19) VCF-style: chr1-158815741-T-G.
Other names: short protein forms L312R.
Identifiers: ClinVar variation 2448173 (VCV002448173.2), dbSNP rs2526088292, ClinGen allele CA343042395.
Genomic context (GRCh38, chr1:158,845,951, plus strand): 5'-ATTTTGAGGTCCCAAACAGAATTATCGAAATAGCAAATAAAACTCCCAAGATCAGTCAAC[T>G]TTACAAGCAAGCATCTGGAACAATGGTGTATGGGTTGTTTATGTTACAAAAGGTAAACCC-3'
Protein context (NP_002423.1, residues 302-322): IANKTPKISQ[Leu312Arg]YKQASGTMVY

ClinVar aggregate classification (germline): Uncertain significance (1 of 4 stars; one submission).

Submission:

Ambry Genetics
Classification: Uncertain significance. Last evaluated: 2023-01-28. Review status: criteria provided, single submitter. Criteria: Ambry Variant Classification Scheme 2023. Collection method: clinical testing. Allele origin: germline.
Comment: The p.L312R variant (also known as c.935T>G), located in coding exon 4 of the MNDA gene, results from a T to G substitution at nucleotide position 935. The leucine at codon 312 is replaced by arginine, an amino acid with dissimilar properties. This amino acid position is conserved. In addition, the in silico prediction for this alteration is inconclusive. Since supporting evidence is limited at this time, the clinical significance of this alteration remains unclear.